The following is an entry in ClinVar:

ClinVar aggregate classification (germline): Pathogenic. Review status: criteria provided, single submitter (1 of 4 stars). 2 submissions from 2 submitters: Pathogenic (1). 1 of the submissions does not count toward it. Last evaluated 2024-06-25.

Conditions:
Multiple endocrine neoplasia type 4. Also called: MULTIPLE ENDOCRINE NEOPLASIA, TYPE IV. Identifiers: Orphanet 276152, MedGen C1970712, MONDO:0012552, OMIM 610755.

Submissions (2):

Labcorp Genetics (formerly Invitae), Labcorp
Classification: Pathogenic for Multiple endocrine neoplasia type 4. Last evaluated: 2024-06-25. Review status: criteria provided, single submitter. Criteria: Invitae Variant Classification Sherloc (09022015). Collection method: clinical testing. Allele origin: germline.
Comment: This sequence change creates a premature translational stop signal (p.Trp76*) in the CDKN1B gene. It is expected to result in an absent or disrupted protein product. Loss-of-function variants in CDKN1B are known to be pathogenic (PMID: 17030811, 24819502). This variant is not present in population databases (gnomAD no frequency). This premature translational stop signal has been observed in individual(s) with CDKN1B-related conditions (PMID: 17030811). ClinVar contains an entry for this variant (Variation ID: 8823). For these reasons, this variant has been classified as Pathogenic.

OMIM
Classification: Pathogenic for MULTIPLE ENDOCRINE NEOPLASIA, TYPE IV. Last evaluated: 2010-11-01. Review status: no assertion criteria provided. Collection method: literature only. Allele origin: germline. Not counted in ClinVar's aggregate classification.

Literature cited by the submitters: PubMed 17030811 (cited by Labcorp Genetics (formerly Invitae), Labcorp and OMIM); PubMed 24819502 (cited by Labcorp Genetics (formerly Invitae), Labcorp); PubMed 20824794 (cited by OMIM).

NM_004064.5(CDKN1B):c.227G>A (p.Trp76Ter)

Gene: CDKN1B (cyclin dependent kinase inhibitor 1B; plus strand). Cytogenetic location: 12p13.1.
Variant type: single nucleotide variant.
Coding change: c.227G>A on transcript NM_004064.5 (MANE Select); coding-DNA position 227, G replaced by A.
Protein change: p.Trp76Ter; replaces tryptophan 76 with a stop codon.
Molecular consequence: nonsense.
Genome position (GRCh38, 1-based): chr12:12,718,066, G>A. VCF-style: chr12-12718066-G-A. GRCh37 (hg19) VCF-style: chr12-12871000-G-A.
Other names: short protein forms W76*.
Identifiers: ClinVar variation 8823 (VCV000008823.13), dbSNP rs121917832, ClinGen allele CA119948.